The following is an entry in ClinVar:

ClinVar aggregate classification (germline): Benign (0 of 4 stars; one submission).

Conditions:
MYO7B-related disorder. Also called: MYO7B-related condition.

Allele frequency attached by ClinVar (database versions not stated): 1000 Genomes Project 30x 0.06246; 1000 Genomes Project 0.06470; ESP Exome Variant Server 0.08316; TOPMed 0.08712; gnomAD 0.09433; ExAC 0.10811; gnomAD exomes 0.12182.
gnomAD v4.1: 184,585 of 1,551,702 alleles (12%); highest among the groups gnomAD compares: Middle Eastern, 17%; 12,196 homozygotes.

Submission:

PreventionGenetics, part of Exact Sciences
Classification: Benign for MYO7B-related condition. Last evaluated: 2019-10-21. Review status: no assertion criteria provided. Collection method: clinical testing. Allele origin: germline.
Comment: This variant is classified as benign based on ACMG/AMP sequence variant interpretation guidelines (Richards et al. 2015 PMID: 25741868, with internal and published modifications).

NM_001393586.1(MYO7B):c.3532C>G (p.Leu1178Val)

Gene: MYO7B (myosin VIIB; plus strand). Cytogenetic location: 2q14.3.
Variant type: single nucleotide variant.
Coding change: c.3532C>G on transcript NM_001393586.1 (MANE Select); coding-DNA position 3532, C replaced by G.
Protein change: p.Leu1178Val; replaces leucine 1178 with valine.
Molecular consequence: missense variant.
Genome position (GRCh38, 1-based): chr2:127,621,988, C>G. VCF-style: chr2-127621988-C-G. GRCh37 (hg19) VCF-style: chr2-128379563-C-G.
Other names: c.3454C>G, p.Leu1152Val (NM_001080527.2); c.13C>G, p.Leu5Val (NM_001393594.1); short protein forms L1152V, L1178V, L5V.
Identifiers: ClinVar variation 3059782 (VCV003059782.2), dbSNP rs61744148, ClinGen allele CA1861484.